The following is an entry in ClinVar:

ClinVar aggregate classification (germline): Likely benign. Review status: criteria provided, multiple submitters, no conflicts (2 of 4 stars). 5 submissions from 5 submitters: Likely benign (4). 1 of the submissions does not count toward it. Last evaluated 2026-01-20.

Conditions:
Inborn genetic diseases. Identifiers: MedGen C0950123, MeSH D030342.
VPS13B-related disorder. Also called: VPS13B-related condition.
Cohen syndrome (COH1). Also called: Cutis verticis gyrata, retinitis pigmentosa, and sensorineural deafness; PEPPER SYNDROME. Identifiers: Orphanet 193, MedGen C0265223, MONDO:0008999, OMIM 216550.

Allele frequency attached by ClinVar (database versions not stated): ESP Exome Variant Server 0.00008; TOPMed 0.00008; gnomAD 0.00009; gnomAD exomes 0.00009; ExAC 0.00010.
gnomAD v4.1: 149 of 1,613,822 alleles (0.0092%); highest among the groups gnomAD compares: Middle Eastern, 0.033%; no homozygotes.

Submissions (5):

Labcorp Genetics (formerly Invitae), Labcorp
Classification: Likely benign for Cohen syndrome. Last evaluated: 2026-01-20. Review status: criteria provided, single submitter. Criteria: Invitae Variant Classification Sherloc (09022015). Collection method: clinical testing. Allele origin: germline.

CeGaT Center for Human Genetics Tuebingen
Classification: Likely benign. Last evaluated: 2025-04-01. Review status: criteria provided, single submitter. Criteria: CeGaT Center For Human Genetics Tuebingen Variant Classification Criteria Version 2. Collection method: clinical testing. Allele origin: germline. Affected: yes. Observed: 1 variant allele.
Comment: VPS13B: BP4, BP7

Blueprint Genetics
Classification: Likely benign. Last evaluated: 2024-10-29. Review status: criteria provided, single submitter. Criteria: ACMG Guidelines, 2015. Collection method: clinical testing. Allele origin: germline.

Ambry Genetics
Classification: Likely benign for Inborn genetic diseases. Last evaluated: 2018-11-07. Review status: criteria provided, single submitter. Criteria: Ambry Variant Classification Scheme 2023. Collection method: clinical testing. Allele origin: germline.

PreventionGenetics, part of Exact Sciences
Classification: Likely benign for VPS13B-related condition. Last evaluated: 2023-11-16. Review status: no assertion criteria provided. Collection method: clinical testing. Allele origin: germline. Not counted in ClinVar's aggregate classification.
Comment: This variant is classified as likely benign based on ACMG/AMP sequence variant interpretation guidelines (Richards et al. 2015 PMID: 25741868, with internal and published modifications).

NM_152564.5(VPS13B):c.7164C>T (p.Leu2388=)

Gene: VPS13B (vacuolar protein sorting 13 homolog B; plus strand). Cytogenetic location: 8q22.2.
Variant type: single nucleotide variant.
Coding change: c.7164C>T on transcript NM_152564.5 (MANE Select); coding-DNA position 7164, C replaced by T.
Protein change: p.Leu2388=; no amino-acid change (leucine 2388 retained).
Molecular consequence: synonymous variant.
Genome position (GRCh38, 1-based): chr8:99,766,887, C>T. VCF-style: chr8-99766887-C-T. GRCh37 (hg19) VCF-style: chr8-100779115-C-T.
Other names: c.7164C>T (NM_152564.4); c.7239C>T, p.Leu2413= (NM_017890.5).
Identifiers: ClinVar variation 1124523 (VCV001124523.21), dbSNP rs374136243, ClinGen allele CA4824161.